The following is an entry in ClinVar:

ClinVar aggregate classification (germline): Uncertain significance. Review status: criteria provided, multiple submitters, no conflicts (2 of 4 stars). 2 submissions from 2 submitters: Uncertain significance (2). Last evaluated 2024-02-21.

Conditions:
Inborn genetic diseases. Identifiers: MedGen C0950123, MeSH D030342.

Allele frequency attached by ClinVar (database versions not stated): ExAC 0.00001; gnomAD 0.00002; ESP Exome Variant Server 0.00008.
gnomAD v4.1: 18 of 1,613,986 alleles (0.0011%); highest among the groups gnomAD compares: Non-Finnish European, 0.0015%; no homozygotes.

Submissions (2):

Ambry Genetics
Classification: Uncertain significance for Inborn genetic diseases. Last evaluated: 2024-02-21. Review status: criteria provided, single submitter. Criteria: Ambry Variant Classification Scheme 2023. Collection method: clinical testing. Allele origin: germline.

Labcorp Genetics (formerly Invitae), Labcorp
Classification: Uncertain significance. Last evaluated: 2022-08-05. Review status: criteria provided, single submitter. Criteria: Invitae Variant Classification Sherloc (09022015). Collection method: clinical testing. Allele origin: germline.
Comment: This sequence change replaces arginine, which is basic and polar, with tryptophan, which is neutral and slightly polar, at codon 1962 of the FREM2 protein (p.Arg1962Trp). This variant is present in population databases (rs371128347, gnomAD 0.004%). This variant has not been reported in the literature in individuals affected with FREM2-related conditions. Algorithms developed to predict the effect of missense changes on protein structure and function (SIFT, PolyPhen-2, Align-GVGD) all suggest that this variant is likely to be disruptive. In summary, the available evidence is currently insufficient to determine the role of this variant in disease. Therefore, it has been classified as a Variant of Uncertain Significance.

NM_207361.6(FREM2):c.5884C>T (p.Arg1962Trp)

Gene: FREM2 (FRAS1 related extracellular matrix 2; plus strand). Cytogenetic location: 13q13.3.
Variant type: single nucleotide variant.
Coding change: c.5884C>T on transcript NM_207361.6 (MANE Select); coding-DNA position 5884, C replaced by T.
Protein change: p.Arg1962Trp; replaces arginine 1962 with tryptophan.
Molecular consequence: missense variant.
Genome position (GRCh38, 1-based): chr13:38,784,673, C>T. VCF-style: chr13-38784673-C-T. GRCh37 (hg19) VCF-style: chr13-39358810-C-T.
Other names: c.5884C>T (NM_207361.4); short protein forms R1962W.
Identifiers: ClinVar variation 2067631 (VCV002067631.2), dbSNP rs371128347, ClinGen allele CA6955377.